The following is an entry in ClinVar:

NM_003054.6(SLC18A2):c.850C>G (p.Pro284Ala)

Gene: SLC18A2 (solute carrier family 18 member A2; plus strand). Cytogenetic location: 10q25.3.
Variant type: single nucleotide variant.
Coding change: c.850C>G on transcript NM_003054.6 (MANE Select); coding-DNA position 850, C replaced by G.
Protein change: p.Pro284Ala; replaces proline 284 with alanine.
Molecular consequence: missense variant.
Genome position (GRCh38, 1-based): chr10:117,255,612, C>G. VCF-style: chr10-117255612-C-G. GRCh37 (hg19) VCF-style: chr10-119015123-C-G.
Other names: short protein forms P284A.
Identifiers: ClinVar variation 1524027 (VCV001524027.7), dbSNP rs368504674, ClinGen allele CA5710472.
Genomic context (GRCh38, chr10:117,255,612, plus strand): 5'-GAGGGGGCATGGTGCTGCTTCTGACCCGTGTTTTTTTCTTGACAGAGTCAGAAGGGGACA[C>G]CCCTAACCACGCTGCTGAAGGACCCGTACATCCTCATTGCTGCAGGTGGGGCTCTGTGGG-3'
Protein context (NP_003045.2, residues 274-294): RVQPESQKGT[Pro284Ala]LTTLLKDPYI

ClinVar aggregate classification (germline): Uncertain significance (1 of 4 stars; one submission).

Allele frequency attached by ClinVar (database versions not stated): ESP Exome Variant Server 0.00015; gnomAD 0.00001; TOPMed 0.00002.
gnomAD v4.1: 7 of 1,613,890 alleles (0.00043%); highest among the groups gnomAD compares: African/African-American, 0.0093%; no homozygotes.

Submission:

Labcorp Genetics (formerly Invitae), Labcorp
Classification: Uncertain significance. Last evaluated: 2024-11-04. Review status: criteria provided, single submitter. Criteria: Invitae Variant Classification Sherloc (09022015). Collection method: clinical testing. Allele origin: germline.
Comment: This sequence change replaces proline, which is neutral and non-polar, with alanine, which is neutral and non-polar, at codon 284 of the SLC18A2 protein (p.Pro284Ala). This variant is present in population databases (rs368504674, gnomAD 0.02%). This variant has not been reported in the literature in individuals affected with SLC18A2-related conditions. ClinVar contains an entry for this variant (Variation ID: 1524027). An algorithm developed to predict the effect of missense changes on protein structure and function (PolyPhen-2) suggests that this variant¬†is likely to be tolerated. In summary, the available evidence is currently insufficient to determine the role of this variant in disease. Therefore, it has been classified as a Variant of Uncertain Significance.